The following is an entry in ClinVar:

ClinVar aggregate classification (germline): Uncertain significance (1 of 4 stars; one submission).

Submission:

Dasa
Classification: Uncertain significance. Last evaluated: 2025-09-16. Review status: criteria provided, single submitter. Criteria: DASA Assertion Criteria. Collection method: clinical testing. Allele origin: germline.
Comment: NM_170606.3(KMT2C):c.9735G>T (p.Gln3245His) is a missense variant that results in the substitution of glutamine with histidine. This variant is absent from population databases. The currently available literature and clinical evidence are not sufficient to establish a definitive association between this variant and the reported condition. Therefore, this variant is classified as a variant of uncertain significance.

NM_170606.3(KMT2C):c.9735G>T (p.Gln3245His)

Gene: KMT2C (lysine methyltransferase 2C; minus strand). Cytogenetic location: 7q36.1.
Variant type: single nucleotide variant.
Coding change: c.9735G>T on transcript NM_170606.3 (MANE Select); coding-DNA position 9735, G replaced by T.
Protein change: p.Gln3245His; replaces glutamine 3245 with histidine.
Molecular consequence: missense variant.
Genome position (GRCh38, 1-based): chr7:152,167,161, C>A on the plus strand (G>T on the coding strand, the complement: KMT2C is on the minus strand). VCF-style: chr7-152167161-C-A. GRCh37 (hg19) VCF-style: chr7-151864246-C-A.
Other names: short protein forms Q3245H.
Identifiers: ClinVar variation 4881375 (VCV004881375.2).